The following is an entry in ClinVar:

NM_002691.4(POLD1):c.1721dup (p.Ser575fs)

Gene: POLD1 (DNA polymerase delta 1, catalytic subunit; plus strand). Cytogenetic location: 19q13.33.
Variant type: Duplication.
Coding change: c.1721dup on transcript NM_002691.4 (MANE Select); coding-DNA position 1721, one base duplicated (A; older notation c.1721dupA).
Protein change: p.Ser575fs; shifts the reading frame from serine 575.
Molecular consequence: frameshift variant. On other transcripts: non-coding transcript variant (1).
Genome position (GRCh38, 1-based): chr19:50,407,361, A duplicated; the last of 2 consecutive A bases (chr19:50,407,360-50,407,361); duplicating either gives the same sequence. VCF-style (leftmost placement, unchanged base first): chr19-50407359-G-GA. GRCh37 (hg19) VCF-style: chr19-50910616-G-GA.
Other names: c.1721dup, p.Ser575fs (NM_001256849.1, NM_001308632.1); short protein forms S575fs.
Identifiers: ClinVar variation 2752956 (VCV002752956.3), dbSNP rs2514003205, ClinGen allele CA2697556657.
Genomic context (GRCh38, chr19:50,407,359, plus strand): 5'-CTCCATTTCCCACCTTCTCCCCTCCCAGGCCATGCACGAGGGGCTGCTGATGCCCGTGGT[G>GA]AAGTCAGAGGGCGGCGAGGACTACACGGGAGCCACTGTCATCGAGCCCCTCAAAGGGTGA-3'

ClinVar aggregate classification (germline): Uncertain significance (1 of 4 stars; one submission).

Conditions:
POLD1-related polyposis and colorectal cancer syndrome (CRCS10). Also called: Colorectal cancer 10; Colorectal cancer, susceptibility to, 10; COLORECTAL CANCER, SUSCEPTIBILITY TO, ON CHROMOSOME 19q. Identifiers: Orphanet 220460, MedGen C2675481, MONDO:0012953, OMIM 612591.

Submission:

Labcorp Genetics (formerly Invitae), Labcorp
Classification: Uncertain significance for POLD1-related polyposis and colorectal cancer syndrome. Last evaluated: 2023-08-16. Review status: criteria provided, single submitter. Criteria: Invitae Variant Classification Sherloc (09022015). Collection method: clinical testing. Allele origin: germline.
Comment: This variant has not been reported in the literature in individuals affected with POLD1-related conditions. In summary, the available evidence is currently insufficient to determine the role of this variant in disease. Therefore, it has been classified as a Variant of Uncertain Significance. This variant is not present in population databases (gnomAD no frequency). This sequence change creates a premature translational stop signal (p.Ser575Valfs*60) in the POLD1 gene. Missense variants that disrupt the 3'-5' exonuclease (proof-reading) activity of the POLD1 protein are associated with PPAP (polymerase proofreading–associated polyposis) (PMID: 23263490, 23447401). However, loss-of-function variants that result in an absent or severely disrupted POLD1 protein, and missense variants outside the exonuclease domain, are unlikely to be associated with PPAP.

Literature cited by the submitters: PubMed 23263490; PubMed 23447401.